The following is an entry in ClinVar:

ClinVar aggregate classification (germline): Uncertain significance (1 of 4 stars; one submission).

Conditions:
Fanconi anemia (FA). Also called: Fanconi's anemia. Identifiers: Orphanet 84, MedGen C0015625, MeSH D005199, MONDO:0019391.

Submission:

Labcorp Genetics (formerly Invitae), Labcorp
Classification: Uncertain significance for Fanconi anemia. Last evaluated: 2020-04-30. Review status: criteria provided, single submitter. Criteria: Invitae Variant Classification Sherloc (09022015). Collection method: clinical testing. Allele origin: germline.
Comment: Algorithms developed to predict the effect of missense changes on protein structure and function (SIFT, PolyPhen-2, Align-GVGD) all suggest that this variant is likely to be tolerated, but these predictions have not been confirmed by published functional studies and their clinical significance is uncertain. In summary, the available evidence is currently insufficient to determine the role of this variant in disease. Therefore, it has been classified as a Variant of Uncertain Significance. This variant has not been reported in the literature in individuals with FANCM-related conditions. This variant is not present in population databases (ExAC no frequency). This sequence change replaces glutamine with glutamic acid at codon 1551 of the FANCM protein (p.Gln1551Glu). The glutamine residue is moderately conserved and there is a small physicochemical difference between glutamine and glutamic acid.

NM_020937.4(FANCM):c.4651C>G (p.Gln1551Glu)

Gene: FANCM (FA complementation group M; plus strand). Cytogenetic location: 14q21.2.
Variant type: single nucleotide variant.
Coding change: c.4651C>G on transcript NM_020937.4 (MANE Select); coding-DNA position 4651, C replaced by G.
Protein change: p.Gln1551Glu; replaces glutamine 1551 with glutamic acid.
Molecular consequence: missense variant.
Genome position (GRCh38, 1-based): chr14:45,185,352, C>G. VCF-style: chr14-45185352-C-G. GRCh37 (hg19) VCF-style: chr14-45654555-C-G.
Other names: c.4573C>G, p.Gln1525Glu (NM_001308133.2); short protein forms Q1525E, Q1551E.
Identifiers: ClinVar variation 1021800 (VCV001021800.8), dbSNP rs1889335215, ClinGen allele CA389608375.